The following is an entry in ClinVar:

ClinVar aggregate classification (germline): Uncertain significance. Review status: criteria provided, multiple submitters, no conflicts (2 of 4 stars). 3 submissions from 3 submitters: Uncertain significance (3). Last evaluated 2025-08-03.

Conditions:
Hereditary cancer-predisposing syndrome. Also called: Hereditary Cancer Syndrome; Tumor predisposition; Neoplastic Syndromes, Hereditary; Hereditary neoplastic syndrome. Identifiers: Orphanet 140162, MedGen C0027672, MeSH D009386, MONDO:0015356.

Allele frequency attached by ClinVar (database versions not stated): gnomAD 0.00001; ExAC 0.00002; gnomAD exomes 0.00002; TOPMed 0.00003; ESP Exome Variant Server 0.00008.
gnomAD v4.1: 37 of 1,613,976 alleles (0.0023%); highest among the groups gnomAD compares: Admixed American, 0.005%; no homozygotes.

Submissions (3):

Labcorp Genetics (formerly Invitae), Labcorp
Classification: Uncertain significance. Last evaluated: 2025-08-03. Review status: criteria provided, single submitter. Criteria: Invitae Variant Classification Sherloc (09022015). Collection method: clinical testing. Allele origin: germline.
Comment: This sequence change replaces arginine, which is basic and polar, with histidine, which is basic and polar, at codon 553 of the POLE protein (p.Arg553His). This variant is present in population databases (rs145370369, gnomAD 0.006%). This missense change has been observed in individual(s) with POLE-related conditions (PMID: 33057194). ClinVar contains an entry for this variant (Variation ID: 863390). Invitae Evidence Modeling of protein sequence and biophysical properties (such as structural, functional, and spatial information, amino acid conservation, physicochemical variation, residue mobility, and thermodynamic stability) indicates that this missense variant is expected to disrupt POLE protein function with a positive predictive value of 80%. In summary, the available evidence is currently insufficient to determine the role of this variant in disease. Therefore, it has been classified as a Variant of Uncertain Significance.

GeneDx
Classification: Uncertain significance. Last evaluated: 2025-07-15. Review status: criteria provided, single submitter. Criteria: GeneDx Variant Classification Process June 2021. Collection method: clinical testing. Allele origin: germline. Affected: yes.
Comment: Not observed at significant frequency in large population cohorts (gnomAD); In silico analysis supports that this missense variant has a deleterious effect on protein structure/function; Observed as de novo in an individual with a neurodevelopmental disorder (PMID: 33057194); This variant is associated with the following publications: (PMID: 20951805, 35982159, 33057194)

Ambry Genetics
Classification: Uncertain significance for Hereditary cancer-predisposing syndrome. Last evaluated: 2025-01-27. Review status: criteria provided, single submitter. Criteria: Ambry Variant Classification Scheme 2023. Collection method: clinical testing. Allele origin: germline.
Comment: The p.R553H variant (also known as c.1658G>A), located in coding exon 15 of the POLE gene, results from a G to A substitution at nucleotide position 1658. The arginine at codon 553 is replaced by histidine, an amino acid with highly similar properties. This amino acid position is highly conserved in available vertebrate species. In addition, the in silico prediction for this alteration is inconclusive. Based on the available evidence, the clinical significance of this variant remains unclear.

Literature cited by the submitters: PubMed 33057194 (cited by Labcorp Genetics (formerly Invitae), Labcorp).

NM_006231.4(POLE):c.1658G>A (p.Arg553His)

Gene: POLE (DNA polymerase epsilon, catalytic subunit; minus strand). Cytogenetic location: 12q24.33.
Variant type: single nucleotide variant.
Coding change: c.1658G>A on transcript NM_006231.4 (MANE Select); coding-DNA position 1658, G replaced by A.
Protein change: p.Arg553His; replaces arginine 553 with histidine.
Molecular consequence: missense variant.
Genome position (GRCh38, 1-based): chr12:132,672,655, C>T on the plus strand (G>A on the coding strand, the complement: POLE is on the minus strand). VCF-style: chr12-132672655-C-T. GRCh37 (hg19) VCF-style: chr12-133249241-C-T.
Other names: c.1658G>A (NM_006231.2); short protein forms R553H.
Identifiers: ClinVar variation 863390 (VCV000863390.11), dbSNP rs145370369, ClinGen allele CA6893894.